The following is an entry in ClinVar:

NM_006258.4(PRKG1):c.505G>A (p.Gly169Ser)

Gene: PRKG1 (protein kinase cGMP-dependent 1; plus strand). Cytogenetic location: 10q21.1.
Variant type: single nucleotide variant.
Coding change: c.505G>A on transcript NM_006258.4 (MANE Select); coding-DNA position 505, G replaced by A.
Protein change: p.Gly169Ser; replaces glycine 169 with serine.
Molecular consequence: missense variant.
Genome position (GRCh38, 1-based): chr10:51,467,749, G>A. VCF-style: chr10-51467749-G-A. GRCh37 (hg19) VCF-style: chr10-53227509-G-A.
Other names: c.460G>A, p.Gly154Ser (NM_001098512.3); c.505G>A, p.Gly169Ser (NM_001374782.1); short protein forms G154S, G169S.
Identifiers: ClinVar variation 1745095 (VCV001745095.7), dbSNP rs1422839176, ClinGen allele CA376529095.

ClinVar aggregate classification (germline): Uncertain significance. Review status: criteria provided, multiple submitters, no conflicts (2 of 4 stars). 2 submissions from 2 submitters: Uncertain significance (2). Last evaluated 2022-10-10.

Conditions:
Aortic aneurysm, familial thoracic 8 (AAT8). Identifiers: MedGen C3809513, MONDO:0014187, OMIM 615436.
Familial thoracic aortic aneurysm and aortic dissection (TAAD). Also called: Thoracic aortic aneurysms and dissections. Identifiers: Orphanet 91387, MedGen C4707243, MONDO:0019625.

Allele frequency attached by ClinVar (database versions not stated): gnomAD 0.00001.
gnomAD v4.1: 2 of 1,612,498 alleles (0.00012%); highest among the groups gnomAD compares: African/African-American, 0.0027%; no homozygotes.

Submissions (2):

Labcorp Genetics (formerly Invitae), Labcorp
Classification: Uncertain significance for Aortic aneurysm, familial thoracic 8. Last evaluated: 2022-10-10. Review status: criteria provided, single submitter. Criteria: Invitae Variant Classification Sherloc (09022015). Collection method: clinical testing. Allele origin: germline.
Comment: In summary, the available evidence is currently insufficient to determine the role of this variant in disease. Therefore, it has been classified as a Variant of Uncertain Significance. Algorithms developed to predict the effect of missense changes on protein structure and function (SIFT, PolyPhen-2, Align-GVGD) all suggest that this variant is likely to be tolerated. This variant has not been reported in the literature in individuals affected with PRKG1-related conditions. This variant is not present in population databases (gnomAD no frequency). This sequence change replaces glycine, which is neutral and non-polar, with serine, which is neutral and polar, at codon 169 of the PRKG1 protein (p.Gly169Ser).

Ambry Genetics
Classification: Uncertain significance for Familial thoracic aortic aneurysm and aortic dissection. Last evaluated: 2021-07-12. Review status: criteria provided, single submitter. Criteria: Ambry Variant Classification Scheme 2023. Collection method: clinical testing. Allele origin: germline.
Comment: The p.G169S variant (also known as c.505G>A), located in coding exon 3 of the PRKG1 gene, results from a G to A substitution at nucleotide position 505. The glycine at codon 169 is replaced by serine, an amino acid with similar properties. This amino acid position is conserved. In addition, this alteration is predicted to be tolerated by in silico analysis. Since supporting evidence is limited at this time, the clinical significance of this alteration remains unclear.